The following is an entry in ClinVar:

ClinVar aggregate classification (germline): Uncertain significance (1 of 4 stars; one submission).

Conditions:
Gastrointestinal stromal tumor. Also called: Gastrointestinal stroma tumor; Gastrointestinal stromal tumor, somatic. Identifiers: Orphanet 44890, MedGen C0238198, MeSH D046152, MONDO:0011719, OMIM 606764, HP:0100723.

Allele frequency attached by ClinVar (database versions not stated): gnomAD exomes below 0.00001.
gnomAD v4.1: 1 of 1,613,758 alleles (0.000062%); highest among the groups gnomAD compares: Admixed American, 0.0017%; no homozygotes.

Submission:

Labcorp Genetics (formerly Invitae), Labcorp
Classification: Uncertain significance for Gastrointestinal stromal tumor. Last evaluated: 2022-07-20. Review status: criteria provided, single submitter. Criteria: Invitae Variant Classification Sherloc (09022015). Collection method: clinical testing. Allele origin: germline.
Comment: In summary, the available evidence is currently insufficient to determine the role of this variant in disease. Therefore, it has been classified as a Variant of Uncertain Significance. Algorithms developed to predict the effect of missense changes on protein structure and function (SIFT, PolyPhen-2, Align-GVGD) all suggest that this variant is likely to be tolerated. This variant has not been reported in the literature in individuals affected with PDGFRA-related conditions. This variant is not present in population databases (gnomAD no frequency). This sequence change replaces leucine, which is neutral and non-polar, with valine, which is neutral and non-polar, at codon 694 of the PDGFRA protein (p.Leu694Val).

NM_006206.6(PDGFRA):c.2080C>G (p.Leu694Val)

Gene: PDGFRA (platelet derived growth factor receptor alpha; plus strand). Cytogenetic location: 4q12.
Variant type: single nucleotide variant.
Coding change: c.2080C>G on transcript NM_006206.6 (MANE Select); coding-DNA position 2080, C replaced by G.
Protein change: p.Leu694Val; replaces leucine 694 with valine.
Molecular consequence: missense variant.
Genome position (GRCh38, 1-based): chr4:54,278,439, C>G. VCF-style: chr4-54278439-C-G. GRCh37 (hg19) VCF-style: chr4-55144606-C-G.
Other names: c.2080C>G, p.Leu694Val (NM_001347827.2, NM_001347829.2); c.2155C>G, p.Leu719Val (NM_001347828.2); c.2119C>G, p.Leu707Val (NM_001347830.2); short protein forms L707V, L694V, L719V.
Identifiers: ClinVar variation 1979430 (VCV001979430.4), dbSNP rs878854827, ClinGen allele CA356894000.